The following is an entry in ClinVar:

ClinVar aggregate classification (germline): Pathogenic (1 of 4 stars; one submission).

Conditions:
Argininosuccinate lyase deficiency. Also called: ARGININOSUCCINIC ACID LYASE DEFICIENCY; ASL DEFICIENCY; Argininosuccinic aciduria. Identifiers: Orphanet 23, MedGen C0268547, MONDO:0008815, OMIM 207900, HP:0025630.

Submission:

Labcorp Genetics (formerly Invitae), Labcorp
Classification: Pathogenic for Argininosuccinate lyase deficiency. Last evaluated: 2022-06-10. Review status: criteria provided, single submitter. Criteria: Invitae Variant Classification Sherloc (09022015). Collection method: clinical testing. Allele origin: germline.
Comment: This variant is a gross deletion of the genomic region encompassing exon(s) 3-6 of the ASL gene. This deletion is out-of-frame, and is expected to create a premature termination codon and result in an absent or disrupted protein product. Loss-of-function variants in ASL are known to be pathogenic (PMID: 2263616, 24166829). A similar copy number variant has been observed in individual(s) with argininosuccinate lyase deficiency (PMID: 24166829). For these reasons, this variant has been classified as Pathogenic.

Literature cited by the submitters: PubMed 2263616; PubMed 24166829.

NC_000007.14:g.(?_66081783)_(66083194_?)del

Gene: ASL (argininosuccinate lyase; plus strand). Cytogenetic location: 7q11.21.
Variant type: Deletion.
Identifiers: ClinVar variation 830913 (VCV000830913.2).